The following is an entry in ClinVar:

NM_000157.4(GBA1):c.546G>A (p.Gln182=)

Genes: GBA1 (glucosylceramidase beta 1; minus strand), LOC106627981 (GBA recombination region; plus strand). Cytogenetic location: 1q22.
Variant type: single nucleotide variant.
Coding change: c.546G>A on transcript NM_000157.4 (MANE Select); coding-DNA position 546, G replaced by A.
Protein change: p.Gln182=; no amino-acid change (glutamine 182 retained).
Molecular consequence: synonymous variant.
Genome position (GRCh38, 1-based): chr1:155,238,559, C>T on the plus strand (G>A on the coding strand, the complement: GBA1 is on the minus strand). VCF-style: chr1-155238559-C-T. GRCh37 (hg19) VCF-style: chr1-155208350-C-T.
Other names: c.546G>A, p.Gln182= (NM_001005741.3, NM_001005742.3); c.285G>A, p.Gln95= (NM_001171811.2); c.399G>A, p.Gln133= (NM_001171812.2); c.546G>A (NM_001005742.2).
Identifiers: ClinVar variation 1678838 (VCV001678838.9), dbSNP rs545391048, ClinGen allele CA1141724.

ClinVar aggregate classification (germline): Likely benign. Review status: criteria provided, multiple submitters, no conflicts (2 of 4 stars). 5 submissions from 5 submitters: Likely benign (5). Last evaluated 2026-02-01.

Allele frequency attached by ClinVar (database versions not stated): TOPMed 0.00004; 1000 Genomes Project 0.00040; gnomAD exomes 0.00042; ExAC 0.00046; 1000 Genomes Project 30x 0.00047.
gnomAD v4.1: 348 of 1,613,482 alleles (0.022%); highest among the groups gnomAD compares: South Asian, 0.33%; 3 homozygotes.

Submissions (5):

CeGaT Center for Human Genetics Tuebingen
Classification: Likely benign. Last evaluated: 2026-02-01. Review status: criteria provided, single submitter. Criteria: CeGaT Center For Human Genetics Tuebingen Variant Classification Criteria Version 2. Collection method: clinical testing. Allele origin: germline. Affected: yes. Observed: 1 variant allele.
Comment: GBA1: BP4, BP7

Blueprint Genetics
Classification: Likely benign. Last evaluated: 2024-09-20. Review status: criteria provided, single submitter. Criteria: ACMG Guidelines, 2015. Collection method: clinical testing. Allele origin: germline.

Ambry Genetics
Classification: Likely benign. Last evaluated: 2024-06-25. Review status: criteria provided, single submitter. Criteria: Ambry Variant Classification Scheme 2023. Collection method: clinical testing. Allele origin: germline.

Women's Health and Genetics/Laboratory Corporation of America, LabCorp
Classification: Likely benign. Last evaluated: 2023-02-15. Review status: criteria provided, single submitter. Criteria: LabCorp Variant Classification Summary - May 2015. Collection method: clinical testing. Allele origin: germline.

GeneDx
Classification: Likely benign. Last evaluated: 2020-03-17. Review status: criteria provided, single submitter. Criteria: GeneDx Variant Classification Process June 2021. Collection method: clinical testing. Allele origin: germline. Affected: yes.
Comment: See Variant Classification Assertion Criteria.